The following is an entry in ClinVar:

NM_001171.6(ABCC6):c.3803G>A (p.Arg1268Gln)

Gene: ABCC6 (ATP binding cassette subfamily C member 6; minus strand). Cytogenetic location: 16p13.11.
Variant type: single nucleotide variant.
Coding change: c.3803G>A on transcript NM_001171.6 (MANE Select); coding-DNA position 3803, G replaced by A.
Protein change: p.Arg1268Gln; replaces arginine 1268 with glutamine.
Molecular consequence: missense variant. On other transcripts: non-coding transcript variant (1).
Genome position (GRCh38, 1-based): chr16:16,157,742, C>T on the plus strand (G>A on the coding strand, the complement: ABCC6 is on the minus strand). VCF-style: chr16-16157742-C-T. GRCh37 (hg19) VCF-style: chr16-16251599-C-T.
Other names: c.3461G>A, p.Arg1154Gln (NM_001351800.1); short protein forms R1268Q, R1154Q.
Identifiers: ClinVar variation 6570 (VCV000006570.24), dbSNP rs2238472, ClinGen allele CA232833.

ClinVar aggregate classification (germline): Benign. Review status: criteria provided, multiple submitters, no conflicts (2 of 4 stars). 16 submissions from 14 submitters: Benign (11). 5 of the submissions do not count toward it. Last evaluated 2026-02-04.

Conditions:
Arterial calcification, generalized, of infancy, 2. Identifiers: Orphanet 51608, MedGen C3276161, MONDO:0013768, OMIM 614473.
Autosomal recessive inherited pseudoxanthoma elasticum (PXE). Identifiers: Orphanet 758, MedGen CN032334, MONDO:0009925, OMIM 264800.
Pseudoxanthoma elasticum, forme fruste. Also called: PSEUDOXANTHOMA ELASTICUM, HETEROZYGOUS; Pseudoxanthoma Elasticum, Incomplete. Identifiers: Orphanet 758, MedGen C1867450, MONDO:0008333, OMIM 177850.

Allele frequency attached by ClinVar (database versions not stated): 1000 Genomes Project 30x 0.17958; 1000 Genomes Project 0.18131; TOPMed 0.21583; gnomAD 0.22716 and 0.22903; ExAC 0.24459; gnomAD exomes 0.24975 and 0.26943.
gnomAD v4.1: 426,802 of 1,613,528 alleles (26%); highest among the groups gnomAD compares: Admixed American, 30%; 59,383 homozygotes.

Submissions (16):

Labcorp Genetics (formerly Invitae), Labcorp
Classification: Benign. Last evaluated: 2026-02-04. Review status: criteria provided, single submitter. Criteria: Invitae Variant Classification Sherloc (09022015). Collection method: clinical testing. Allele origin: germline.

Blueprint Genetics
Classification: Benign. Last evaluated: 2024-11-28. Review status: criteria provided, single submitter. Criteria: ACMG Guidelines, 2015. Collection method: clinical testing. Allele origin: germline.

Mayo Clinic Laboratories, Mayo Clinic
Classification: Benign. Last evaluated: 2022-10-04. Review status: criteria provided, single submitter. Criteria: ACMG Guidelines, 2015. Collection method: clinical testing. Allele origin: germline. Observed: 69 variant alleles.
Comment: BS1, BS2, BP4

Fulgent Genetics
Classification: Benign for Pseudoxanthoma elasticum, forme fruste; Autosomal recessive inherited pseudoxanthoma elasticum; Arterial calcification, generalized, of infancy, 2. Last evaluated: 2021-12-13. Review status: criteria provided, single submitter. Criteria: ACMG Guidelines, 2015. Collection method: clinical testing. Allele origin: unknown.

Genome-Nilou Lab
Classification: Benign for Arterial calcification, generalized, of infancy, 2. Last evaluated: 2021-12-05. Review status: criteria provided, single submitter. Criteria: ACMG Guidelines, 2015. Collection method: clinical testing. Allele origin: germline. Affected: no.

Genome-Nilou Lab
Classification: Benign for Autosomal recessive inherited pseudoxanthoma elasticum. Last evaluated: 2021-12-05. Review status: criteria provided, single submitter. Criteria: ACMG Guidelines, 2015. Collection method: clinical testing. Allele origin: germline. Affected: no.

Genome-Nilou Lab
Classification: Benign for Pseudoxanthoma elasticum, forme fruste. Last evaluated: 2021-12-05. Review status: criteria provided, single submitter. Criteria: ACMG Guidelines, 2015. Collection method: clinical testing. Allele origin: germline. Affected: no.

PXE International
Classification: Benign for Autosomal recessive inherited pseudoxanthoma elasticum. Last evaluated: 2021-03-01. Review status: criteria provided, single submitter. Criteria: Le Saux O et al. (Am J Hum Genet 2001). Collection method: research. Allele origin: germline. Inheritance: Autosomal recessive inheritance. Affected: yes.

Mendelics
Classification: Benign for Autosomal recessive inherited pseudoxanthoma elasticum. Last evaluated: 2019-05-28. Review status: criteria provided, single submitter. Criteria: Mendelics Assertion Criteria 2017. Collection method: clinical testing. Allele origin: unknown.

GeneDx
Classification: Benign. Last evaluated: 2015-03-03. Review status: criteria provided, single submitter. Criteria: GeneDx Variant Classification Process June 2021. Collection method: clinical testing. Allele origin: germline. Affected: yes.
Comment: This variant is associated with the following publications: (PMID: 10913334, 12928920, 21179111, 20981092, 20220177, 10811882, 27884173, 11536079, 23674961)

Breakthrough Genomics
Classification: Benign. Review status: criteria provided, single submitter. Criteria: ACMG Guidelines, 2015. Collection method: not provided. Allele origin: germline. Inheritance: Autosomal recessive inheritance. Affected: yes.

OMIM
Classification: Pathogenic for PSEUDOXANTHOMA ELASTICUM. Last evaluated: 2000-05-23. Review status: no assertion criteria provided. Collection method: literature only. Allele origin: germline. Not counted in ClinVar's aggregate classification.

Clinical Genetics, Academic Medical Center
Classification: Benign. Review status: no assertion criteria provided. Collection method: clinical testing. Allele origin: germline. Affected: yes. Study: VKGL Data-share Consensus. Not counted in ClinVar's aggregate classification.

Department of Ophthalmology and Visual Sciences Kyoto University
Classification: Likely benign. Review status: no assertion criteria provided. Collection method: not provided. Allele origin: unknown. Not counted in ClinVar's aggregate classification.
ClinVar note: Converted during submission from probable-non-pathogenic to Likely benign.

Diagnostic Laboratory, Department of Genetics, University Medical Center Groningen
Classification: Benign. Review status: no assertion criteria provided. Collection method: clinical testing. Allele origin: germline. Affected: yes. Study: VKGL Data-share Consensus. Not counted in ClinVar's aggregate classification.

Genome Diagnostics Laboratory, University Medical Center Utrecht
Classification: Benign. Review status: no assertion criteria provided. Collection method: clinical testing. Allele origin: germline. Affected: yes. Study: VKGL Data-share Consensus. Not counted in ClinVar's aggregate classification.

Literature cited by the submitters: PubMed 32873932 (cited by PXE International); PubMed 10811882 (cited by OMIM); PubMed 11474653 (cited by OMIM).